The following is an entry in ClinVar:

ClinVar aggregate classification (germline): Uncertain significance (1 of 4 stars; one submission).

Conditions:
Inborn genetic diseases. Identifiers: MedGen C0950123, MeSH D030342.

gnomAD v4.1: 1 of 1,611,696 alleles (0.000062%); highest among the groups gnomAD compares: Non-Finnish European, 0.000085%; no homozygotes.

Submission:

Ambry Genetics
Classification: Uncertain significance for Inborn genetic diseases. Last evaluated: 2025-11-23. Review status: criteria provided, single submitter. Criteria: Ambry Variant Classification Scheme 2023. Collection method: clinical testing. Allele origin: germline.
Comment: The p.N837S variant (also known as c.2510A>G), located in coding exon 12 of the BMPR2 gene, results from an A to G substitution at nucleotide position 2510. The asparagine at codon 837 is replaced by serine, an amino acid with highly similar properties. This amino acid position is conserved. In addition, this alteration is predicted to be tolerated by in silico analysis. Based on the available evidence, the clinical significance of this variant remains unclear.

NM_001204.7(BMPR2):c.2510A>G (p.Asn837Ser)

Gene: BMPR2 (bone morphogenetic protein receptor type 2; plus strand). Cytogenetic location: 2q33.2.
Variant type: single nucleotide variant.
Coding change: c.2510A>G on transcript NM_001204.7 (MANE Select); coding-DNA position 2510, A replaced by G.
Protein change: p.Asn837Ser; replaces asparagine 837 with serine.
Molecular consequence: missense variant.
Genome position (GRCh38, 1-based): chr2:202,556,175, A>G. VCF-style: chr2-202556175-A-G. GRCh37 (hg19) VCF-style: chr2-203420898-A-G.
Other names: short protein forms N837S.
Identifiers: ClinVar variation 4597865 (VCV004597865.1).